The following is an entry in ClinVar:

NM_001378183.1(PIEZO2):c.8340C>T (p.Gly2780=)

Gene: PIEZO2 (piezo type mechanosensitive ion channel component 2; minus strand). Cytogenetic location: 18p11.22.
Variant type: single nucleotide variant.
Coding change: c.8340C>T on transcript NM_001378183.1 (MANE Select); coding-DNA position 8340, C replaced by T.
Protein change: p.Gly2780=; no amino-acid change (glycine 2780 retained).
Molecular consequence: synonymous variant.
Genome position (GRCh38, 1-based): chr18:10,672,695, G>A on the plus strand (C>T on the coding strand, the complement: PIEZO2 is on the minus strand). VCF-style: chr18-10672695-G-A. GRCh37 (hg19) VCF-style: chr18-10672692-G-A.
Other names: c.8001C>T, p.Gly2667= (NM_022068.4).
Identifiers: ClinVar variation 770802 (VCV000770802.35), dbSNP rs146400447, ClinGen allele CA8891753.

ClinVar aggregate classification (germline): Benign/Likely benign. Review status: criteria provided, multiple submitters, no conflicts (2 of 4 stars). 5 submissions from 5 submitters: Benign (2); Likely benign (2). 1 of the submissions does not count toward it. Last evaluated 2026-05-01.

Conditions:
PIEZO2-related disorder. Also called: PIEZO2-related condition; PIEZO2-related disorders.

Allele frequency attached by ClinVar (database versions not stated): 1000 Genomes Project 0.00020; 1000 Genomes Project 30x 0.00031; TOPMed 0.00159; gnomAD exomes 0.00164 and 0.00267; ExAC 0.00166; ESP Exome Variant Server 0.00192; gnomAD 0.00192 and 0.00199.
gnomAD v4.1: 4,153 of 1,613,764 alleles (0.26%); highest among the groups gnomAD compares: Non-Finnish European, 0.32%; 7 homozygotes.

Submissions (5):

CeGaT Center for Human Genetics Tuebingen
Classification: Likely benign. Last evaluated: 2026-05-01. Review status: criteria provided, single submitter. Criteria: CeGaT Center For Human Genetics Tuebingen Variant Classification Criteria Version 2. Collection method: clinical testing. Allele origin: germline. Affected: yes. Observed: 4 variant alleles.
Comment: PIEZO2: BP4, BP7

Labcorp Genetics (formerly Invitae), Labcorp
Classification: Benign. Last evaluated: 2026-01-15. Review status: criteria provided, single submitter. Criteria: Invitae Variant Classification Sherloc (09022015). Collection method: clinical testing. Allele origin: germline.

Blueprint Genetics
Classification: Likely benign. Last evaluated: 2024-11-07. Review status: criteria provided, single submitter. Criteria: ACMG Guidelines, 2015. Collection method: clinical testing. Allele origin: germline.

Breakthrough Genomics
Classification: Benign. Review status: criteria provided, single submitter. Criteria: ACMG Guidelines, 2015. Collection method: not provided. Allele origin: germline. Inheritance: Autosomal recessive inheritance. Affected: yes.

PreventionGenetics, part of Exact Sciences
Classification: Likely benign for PIEZO2-related condition. Last evaluated: 2020-01-30. Review status: no assertion criteria provided. Collection method: clinical testing. Allele origin: germline. Not counted in ClinVar's aggregate classification.
Comment: This variant is classified as likely benign based on ACMG/AMP sequence variant interpretation guidelines (Richards et al. 2015 PMID: 25741868, with internal and published modifications).